The following is an entry in ClinVar:

ClinVar aggregate classification (germline): Uncertain significance (1 of 4 stars; one submission).

Conditions:
Classic dopamine transporter deficiency syndrome (PKDYS1). Also called: Parkinsonism-dystonia, infantile, 1; DOPAMINE TRANSPORTER DEFICIENCY SYNDROME. Identifiers: Orphanet 238455, MedGen C5700336, MONDO:0054835, OMIM 613135.

Allele frequency attached by ClinVar (database versions not stated): gnomAD exomes 0.00001; ExAC 0.00002.
gnomAD v4.1: 3 of 1,611,378 alleles (0.00019%); highest among the groups gnomAD compares: Non-Finnish European, 0.00025%; no homozygotes.

Submission:

Institute for Genomic Medicine (IGM) Clinical Laboratory, Nationwide Children's Hospital
Classification: Uncertain significance for Classic dopamine transporter deficiency syndrome. Last evaluated: 2018-03-13. Review status: criteria provided, single submitter. Criteria: ACMG Guidelines, 2015. Collection method: clinical testing. Allele origin: germline. Affected: yes.
Comment: [ACMG/AMP: PM2, PP2, PP3] This alteration is absent from or rarely observed in large-scale population databases [PM2], is a missense variant in a gene in which missense variants are a common mechanism of disease [PP2], is predicted to be damaging by multiple functional prediction tools [PP3].

NM_001044.5(SLC6A3):c.656G>A (p.Arg219His)

Gene: SLC6A3 (solute carrier family 6 member 3). Cytogenetic location: 5p15.33.
Variant type: single nucleotide variant.
Coding change: c.656G>A on transcript NM_001044.5 (MANE Select); coding-DNA position 656, G replaced by A.
Protein change: p.Arg219His; replaces arginine 219 with histidine.
Molecular consequence: missense variant.
Genome position (GRCh38, 1-based): chr5:1,422,012, C>T on the plus strand (G>A on the coding strand, the complement: SLC6A3 is on the minus strand). VCF-style: chr5-1422012-C-T. GRCh37 (hg19) VCF-style: chr5-1422127-C-T.
Other names: short protein forms R219H.
Identifiers: ClinVar variation 973244 (VCV000973244.5), dbSNP rs753109365, ClinGen allele CA3186294.